The following is an entry in ClinVar:

NM_001005242.3(PKP2):c.28T>C (p.Tyr10His)

Gene: PKP2 (plakophilin 2; minus strand). Cytogenetic location: 12p11.21.
Variant type: single nucleotide variant.
Coding change: c.28T>C on transcript NM_001005242.3 (MANE Select); coding-DNA position 28, T replaced by C.
Protein change: p.Tyr10His; replaces tyrosine 10 with histidine.
Molecular consequence: missense variant.
Genome position (GRCh38, 1-based): chr12:32,896,704, A>G on the plus strand (T>C on the coding strand, the complement: PKP2 is on the minus strand). VCF-style: chr12-32896704-A-G. GRCh37 (hg19) VCF-style: chr12-33049638-A-G.
Other names: c.28T>C, p.Tyr10His (NM_004572.4); short protein forms Y10H.
Identifiers: ClinVar variation 925457 (VCV000925457.10), dbSNP rs1237779872, ClinGen allele CA384371742.

ClinVar aggregate classification (germline): Uncertain significance. Review status: criteria provided, multiple submitters, no conflicts (2 of 4 stars). 3 submissions from 3 submitters: Uncertain significance (3). Last evaluated 2025-09-02.

Conditions:
Cardiomyopathy (CMYO). Also called: Cardiomyopathies. Identifiers: Orphanet 167848, MedGen C0878544, MONDO:0004994, HP:0001638. Inheritance: Various modes of inheritance.
Arrhythmogenic right ventricular cardiomyopathy (ARVD). Also called: Arrhythmogenic cardiomyopathy; Cardiomyopathy, ARVC; Arrhythmogenic right ventricular dysplasia; Arrhythmogenic Right Ventricular Cardiomyopathy (ARVC). Identifiers: Orphanet 247, MedGen C0349788, MeSH D019571, MONDO:0016587. Disease mechanism: loss of function. Inheritance: Various modes of inheritance.
Arrhythmogenic right ventricular dysplasia 9 (ARVD9). Also called: Arrhythmogenic Right Ventricular Dysplasia/Cardiomyopathy 9; ARRHYTHMOGENIC RIGHT VENTRICULAR DYSPLASIA, FAMILIAL, 9. Identifiers: MedGen C1836906, MONDO:0012180, OMIM 609040.

Allele frequency attached by ClinVar (database versions not stated): gnomAD exomes below 0.00001; TOPMed 0.00001.
gnomAD v4.1: 2 of 1,500,812 alleles (0.00013%); highest among the groups gnomAD compares: Non-Finnish European, 0.000088%; no homozygotes.

Submissions (3):

Labcorp Genetics (formerly Invitae), Labcorp
Classification: Uncertain significance for Arrhythmogenic right ventricular dysplasia 9. Last evaluated: 2025-09-02. Review status: criteria provided, single submitter. Criteria: Invitae Variant Classification Sherloc (09022015). Collection method: clinical testing. Allele origin: germline.
Comment: This sequence change replaces tyrosine, which is neutral and polar, with histidine, which is basic and polar, at codon 10 of the PKP2 protein (p.Tyr10His). This variant is not present in population databases (gnomAD no frequency). This variant has not been reported in the literature in individuals affected with PKP2-related conditions. ClinVar contains an entry for this variant (Variation ID: 925457). An algorithm developed to predict the effect of missense changes on protein structure and function (PolyPhen-2) suggests that this variant is likely to be tolerated. In summary, the available evidence is currently insufficient to determine the role of this variant in disease. Therefore, it has been classified as a Variant of Uncertain Significance.

All of Us Research Program, National Institutes of Health
Classification: Uncertain significance for Arrhythmogenic right ventricular cardiomyopathy. Last evaluated: 2024-03-24. Review status: criteria provided, single submitter. Criteria: ACMG Guidelines, 2015. Collection method: clinical testing. Allele origin: germline. Inheritance: Autosomal dominant inheritance. Observed: 2 variant alleles, 2 heterozygotes.
Comment: This missense variant replaces tyrosine with histidine at codon 10 of the PKP2 protein. Computational prediction suggests that this variant may not impact protein structure and function (internally defined REVEL score threshold <= 0.5, PMID: 27666373). To our knowledge, functional studies have not been reported for this variant. This variant has not been reported in individuals affected with PKP2-related disorders in the literature. This variant has not been identified in the general population by the Genome Aggregation Database (gnomAD). The available evidence is insufficient to determine the role of this variant in disease conclusively. Therefore, this variant is classified as a Variant of Uncertain Significance.

This study involves interpretation of variants in research participants for the purpose of population health screening. Participant phenotype was not available at the time of variant classification. Additional details can be found in publication PMID: 35346344, PMCID: PMC8962531

Color Diagnostics, LLC DBA Color Health
Classification: Uncertain significance for Cardiomyopathy. Last evaluated: 2023-12-04. Review status: criteria provided, single submitter. Criteria: ACMG Guidelines, 2015. Collection method: clinical testing. Allele origin: germline.
Comment: This missense variant replaces tyrosine with histidine at codon 10 of the PKP2 protein. Computational prediction suggests that this variant may not impact protein structure and function (internally defined REVEL score threshold <= 0.5, PMID: 27666373). To our knowledge, functional studies have not been reported for this variant. This variant has not been reported in individuals affected with PKP2-related disorders in the literature. This variant has not been identified in the general population by the Genome Aggregation Database (gnomAD). The available evidence is insufficient to determine the role of this variant in disease conclusively. Therefore, this variant is classified as a Variant of Uncertain Significance.